The following is an entry in ClinVar:

ClinVar aggregate classification (germline): Uncertain significance (1 of 4 stars; one submission).

Submission:

GeneDx
Classification: Uncertain significance. Last evaluated: 2023-11-08. Review status: criteria provided, single submitter. Criteria: GeneDx Variant Classification Process June 2021. Collection method: clinical testing. Allele origin: germline. Affected: yes.
Comment: Not observed at significant frequency in large population cohorts (gnomAD); In silico analysis supports that this missense variant has a deleterious effect on protein structure/function; Has not been previously published as pathogenic or benign to our knowledge

NM_001256627.2(BRSK2):c.937C>G (p.Arg313Gly)

Gene: BRSK2 (BR serine/threonine kinase 2; plus strand). Cytogenetic location: 11p15.5.
Variant type: single nucleotide variant.
Coding change: c.937C>G on transcript NM_001256627.2 (MANE Select); coding-DNA position 937, C replaced by G.
Protein change: p.Arg313Gly; replaces arginine 313 with glycine.
Molecular consequence: missense variant. On other transcripts: non-coding transcript variant (1).
Genome position (GRCh38, 1-based): chr11:1,445,418, C>G. VCF-style: chr11-1445418-C-G. GRCh37 (hg19) VCF-style: chr11-1466648-C-G.
Other names: c.937C>G, p.Arg313Gly (NM_001256629.2, NM_003957.4); c.1075C>G, p.Arg359Gly (NM_001256630.1); c.757C>G, p.Arg253Gly (NM_001282218.2); short protein forms R253G, R313G, R359G.
Identifiers: ClinVar variation 3363903 (VCV003363903.1).
Genomic context (GRCh38, chr11:1,445,418, plus strand): 5'-CCCAGCCTGGAGGACATCGACCCCGACGTGCTGGACAGCATGCACTCACTGGGCTGCTTC[C>G]GAGACCGCAACAAGCTGCTGCAGGACCTGCTGTCCGAGGAGTGCGTCTGGGGCTGCTCCC-3'
Protein context (NP_001243556.1, residues 303-323): LDSMHSLGCF[Arg313Gly]DRNKLLQDLL